The following is an entry in ClinVar:

ClinVar aggregate classification (germline): Uncertain significance (1 of 4 stars; one submission).

Conditions:
COG5-congenital disorder of glycosylation. Also called: CDG IIi; CONGENITAL DISORDER OF GLYCOSYLATION, TYPE IIi; COG5-CDG. Identifiers: Orphanet 263487, MedGen C3150876, MONDO:0013325, OMIM 613612.

Allele frequency attached by ClinVar (database versions not stated): ExAC 0.00001; gnomAD exomes 0.00001 and 0.00002; TOPMed 0.00002; gnomAD 0.00003 and 0.00004.
gnomAD v4.1: 25 of 1,566,640 alleles (0.0016%); highest among the groups gnomAD compares: Admixed American, 0.0069%; no homozygotes.

Submission:

Labcorp Genetics (formerly Invitae), Labcorp
Classification: Uncertain significance for COG5-congenital disorder of glycosylation. Last evaluated: 2022-02-17. Review status: criteria provided, single submitter. Criteria: Invitae Variant Classification Sherloc (09022015). Collection method: clinical testing. Allele origin: germline.
Comment: This sequence change replaces proline, which is neutral and non-polar, with serine, which is neutral and polar, at codon 466 of the COG5 protein (p.Pro466Ser). This variant is present in population databases (rs759734221, gnomAD 0.009%). This variant has not been reported in the literature in individuals affected with COG5-related conditions. Algorithms developed to predict the effect of missense changes on protein structure and function (SIFT, PolyPhen-2, Align-GVGD) all suggest that this variant is likely to be tolerated. Algorithms developed to predict the effect of sequence changes on RNA splicing suggest that this variant may create or strengthen a splice site. In summary, the available evidence is currently insufficient to determine the role of this variant in disease. Therefore, it has been classified as a Variant of Uncertain Significance.

NM_006348.5(COG5):c.1303C>T (p.Pro435Ser)

Gene: COG5 (component of oligomeric golgi complex 5; minus strand). Cytogenetic location: 7q22.3.
Variant type: single nucleotide variant.
Coding change: c.1303C>T on transcript NM_006348.5 (MANE Select); coding-DNA position 1303, C replaced by T.
Protein change: p.Pro435Ser; replaces proline 435 with serine.
Molecular consequence: missense variant.
Genome position (GRCh38, 1-based): chr7:107,298,152, G>A on the plus strand (C>T on the coding strand, the complement: COG5 is on the minus strand). VCF-style: chr7-107298152-G-A. GRCh37 (hg19) VCF-style: chr7-106938597-G-A.
Other names: c.1303C>T, p.Pro435Ser (NM_001161520.2, NM_001379511.1, NM_001379512.1 and 3 more transcripts); c.733C>T, p.Pro245Ser (NM_001379515.1); c.589C>T, p.Pro197Ser (NM_001379516.1); short protein forms P245S, P197S, P435S.
Identifiers: ClinVar variation 1396628 (VCV001396628.6), dbSNP rs759734221, ClinGen allele CA4430956.
Genomic context (GRCh38, chr7:107,298,152, plus strand): 5'-TAAAAATAAAATTAAGATGCCAACTAACAGGTCAAATTAAACAAACATACTCATAATCTG[G>A]CTTTTTTGGTATGAATATATCTTGTGCATCATCTTCCATGTGTTGTAGGTCAACATAGAG-3'
Protein context (NP_006339.4, residues 425-445): DAQDIFIPKK[Pro435Ser]DYDPEKALKD